The following is an entry in ClinVar:

ClinVar aggregate classification (germline): Conflicting classifications of pathogenicity. Review status: criteria provided, conflicting classifications (1 of 4 stars). 2 submissions from 2 submitters: Uncertain significance (1); Likely benign (1). Last evaluated 2023-11-09.

Submissions (2):

Mayo Clinic Laboratories, Mayo Clinic
Classification: Uncertain significance. Last evaluated: 2023-11-09. Review status: criteria provided, single submitter. Criteria: ACMG Guidelines, 2015. Collection method: clinical testing. Allele origin: germline. Observed: 1 variant allele.
Comment: BP4, PM2

Ambry Genetics
Classification: Likely benign. Last evaluated: 2021-12-14. Review status: criteria provided, single submitter. Criteria: Ambry Variant Classification Scheme 2023. Collection method: clinical testing. Allele origin: germline.

NM_032782.5(HAVCR2):c.349A>C (p.Ile117Leu)

Gene: HAVCR2 (hepatitis A virus cellular receptor 2; minus strand). Cytogenetic location: 5q33.3.
Variant type: single nucleotide variant.
Coding change: c.349A>C on transcript NM_032782.5 (MANE Select); coding-DNA position 349, A replaced by C.
Protein change: p.Ile117Leu; replaces isoleucine 117 with leucine.
Molecular consequence: missense variant.
Genome position (GRCh38, 1-based): chr5:157,106,672, T>G on the plus strand (A>C on the coding strand, the complement: HAVCR2 is on the minus strand). VCF-style: chr5-157106672-T-G. GRCh37 (hg19) VCF-style: chr5-156533683-T-G.
Other names: p.Ile117Leu; short protein forms I117L.
Identifiers: ClinVar variation 2266799 (VCV002266799.3), dbSNP rs773895230, ClinGen allele CA361954163.
Genomic context (GRCh38, chr5:157,106,672, plus strand): 5'-CAAATGTCCACTCACCTGGTTTGATGACCAACTTCAGGTTAAATTTTTCATCATTCATTA[T>G]GCCTGGGATTTGGATCCGGCAGCAGTAGATCCCACTGTCTGCTAGAGTCACATTCTCTAT-3'
Protein context (NP_116171.3, residues 107-127): IYCCRIQIPG[Ile117Leu]MNDEKFNLKL